The following is an entry in ClinVar:

ClinVar aggregate classification (germline): Likely benign. Review status: criteria provided, multiple submitters, no conflicts (2 of 4 stars). 2 submissions from 2 submitters: Likely benign (2). Last evaluated 2025-11-05.

Conditions:
TTN-related disorder. Also called: TTN-related disorders; TTN-related condition; TTN-related disease.
Dilated cardiomyopathy 1G (CMD1G). Identifiers: Orphanet 154, MedGen C1858763, MONDO:0011400, OMIM 604145.
Autosomal recessive limb-girdle muscular dystrophy type 2J (LGMDR10). Also called: Limb-girdle muscular dystrophy, type 2J; MUSCULAR DYSTROPHY, LIMB-GIRDLE, AUTOSOMAL RECESSIVE 10. Identifiers: Orphanet 140922, MedGen C1837342, MONDO:0012127, OMIM 608807.

Allele frequency attached by ClinVar (database versions not stated): gnomAD exomes below 0.00001; ExAC 0.00001; gnomAD 0.00002 and 0.00003; TOPMed 0.00003.
gnomAD v4.1: 9 of 1,613,636 alleles (0.00056%); highest among the groups gnomAD compares: African/African-American, 0.0093%; no homozygotes.

Submissions (2):

Labcorp Genetics (formerly Invitae), Labcorp
Classification: Likely benign for Dilated cardiomyopathy 1G; Autosomal recessive limb-girdle muscular dystrophy type 2J. Last evaluated: 2025-11-05. Review status: criteria provided, single submitter. Criteria: Invitae Variant Classification Sherloc (09022015). Collection method: clinical testing. Allele origin: germline.

PreventionGenetics, part of Exact Sciences
Classification: Likely benign for TTN-related condition. Last evaluated: 2025-10-20. Review status: criteria provided, single submitter. Criteria: ACMG Guidelines, 2015. Collection method: clinical testing. Allele origin: germline.
Comment: This variant is classified as likely benign based on ACMG/AMP sequence variant interpretation guidelines (Richards et al. 2015 PMID: 25741868, with internal and published modifications).

NM_001267550.2(TTN):c.17895C>T (p.Tyr5965=)

Gene: TTN (titin; minus strand). Cytogenetic location: 2q31.2.
Variant type: single nucleotide variant.
Coding change: c.17895C>T on transcript NM_001267550.2 (MANE Select); coding-DNA position 17895, C replaced by T.
Protein change: p.Tyr5965=; no amino-acid change (tyrosine 5965 retained).
Molecular consequence: synonymous variant. On other transcripts: intron variant (3).
Genome position (GRCh38, 1-based): chr2:178,730,638, G>A on the plus strand (C>T on the coding strand, the complement: TTN is on the minus strand). VCF-style: chr2-178730638-G-A. GRCh37 (hg19) VCF-style: chr2-179595365-G-A.
Other names: c.16944C>T, p.Tyr5648= (NM_001256850.1); c.14163C>T, p.Tyr4721= (NM_133378.4); c.13282+7444C>T (NM_003319.4); c.13858+7444C>T (NM_133437.4); c.13657+7444C>T (NM_133432.3).
Identifiers: ClinVar variation 1159172 (VCV001159172.10), dbSNP rs780642441, ClinGen allele CA2001728.